The following is an entry in ClinVar:

NM_032634.4(PIGO):c.2722C>T (p.His908Tyr)

Gene: PIGO (phosphatidylinositol glycan anchor biosynthesis class O; minus strand). Cytogenetic location: 9p13.3.
Variant type: single nucleotide variant.
Coding change: c.2722C>T on transcript NM_032634.4 (MANE Select); coding-DNA position 2722, C replaced by T.
Protein change: p.His908Tyr; replaces histidine 908 with tyrosine.
Molecular consequence: missense variant.
Genome position (GRCh38, 1-based): chr9:35,090,598, G>A on the plus strand (C>T on the coding strand, the complement: PIGO is on the minus strand). VCF-style: chr9-35090598-G-A. GRCh37 (hg19) VCF-style: chr9-35090595-G-A.
Other names: c.1471C>T, p.His491Tyr (NM_001201484.2, NM_152850.4); short protein forms H908Y, H491Y.
Identifiers: ClinVar variation 373819 (VCV000373819.1), dbSNP rs754489357, ClinGen allele CA5040343.

ClinVar aggregate classification (germline): Likely pathogenic (1 of 4 stars; one submission).

Allele frequency attached by ClinVar (database versions not stated): gnomAD exomes below 0.00001 and 0.00001; TOPMed below 0.00001; ExAC 0.00001.
gnomAD v4.1: 10 of 1,614,162 alleles (0.00062%); highest among the groups gnomAD compares: Non-Finnish European, 0.00085%; no homozygotes.

Submission:

GeneDx
Classification: Likely pathogenic. Last evaluated: 2016-12-16. Review status: criteria provided, single submitter. Criteria: GeneDx Variant Classification (06012015). Collection method: clinical testing. Allele origin: germline. Affected: yes.
Comment: The H908Y variant in the PIGO gene has not been reported previously as a pathogenic variant, nor as a benign variant, to our knowledge. The H908Y variant was not observed in approximately 6500 individuals of European and African American ancestry in the NHLBI Exome Sequencing Project, indicating it is not a common benign variant in these populations. The H908Y variant is a non-conservative amino acid substitution, which is likely to impact secondary protein structure as these residues differ in polarity, charge, size and/or other properties. This substitution occurs at a position that is conserved across species, and in silico analysis predicts this variant is probably damaging to the protein structure/function. The H908Y variant is a strong candidate for a pathogenic variant, however the possibility it may be a rare benign variant cannot be excluded.